The following is an entry in ClinVar:

NM_000554.6(CRX):c.806T>A (p.Phe269Tyr)

Gene: CRX (cone-rod homeobox; plus strand). Cytogenetic location: 19q13.33.
Variant type: single nucleotide variant.
Coding change: c.806T>A on transcript NM_000554.6 (MANE Select); coding-DNA position 806, T replaced by A.
Protein change: p.Phe269Tyr; replaces phenylalanine 269 with tyrosine.
Molecular consequence: missense variant.
Genome position (GRCh38, 1-based): chr19:47,839,873, T>A. VCF-style: chr19-47839873-T-A. GRCh37 (hg19) VCF-style: chr19-48343130-T-A.
Other names: short protein forms F269Y.
Identifiers: ClinVar variation 1411397 (VCV001411397.6), dbSNP rs2123743672, ClinGen allele CA406631834.
Genomic context (GRCh38, chr19:47,839,873, plus strand): 5'-CCCCCACCTCCCTATCAGGCCAGAGCTATGGCGCCTACAGCCCCGTGGATAGCTTGGAAT[T>A]CAAGGACCCCACGGGCACCTGGAAATTCACCTACAATCCCATGGACCCTCTGGACTACAA-3'
Protein context (NP_000545.1, residues 259-279): GAYSPVDSLE[Phe269Tyr]KDPTGTWKFT

ClinVar aggregate classification (germline): Uncertain significance (1 of 4 stars; one submission).

Conditions:
Leber congenital amaurosis 7 (LCA7). Identifiers: Orphanet 65, MedGen C3151192, MONDO:0013449, OMIM 613829.
Cone-rod dystrophy 2 (CORD2). Also called: CONE-ROD RETINAL DYSTROPHY; Cone-rod retinal dystrophy 2. Identifiers: Orphanet 1872, MedGen C3489532, MONDO:0007362, OMIM 120970.

Allele frequency attached by ClinVar (database versions not stated): gnomAD exomes below 0.00001.
gnomAD v4.1: 1 of 1,614,090 alleles (0.000062%); highest among the groups gnomAD compares: Non-Finnish European, 0.000085%; no homozygotes.

Submission:

Labcorp Genetics (formerly Invitae), Labcorp
Classification: Uncertain significance for Cone-rod dystrophy 2; Leber congenital amaurosis 7. Last evaluated: 2024-10-21. Review status: criteria provided, single submitter. Criteria: Invitae Variant Classification Sherloc (09022015). Collection method: clinical testing. Allele origin: germline.
Comment: This sequence change replaces phenylalanine, which is neutral and non-polar, with tyrosine, which is neutral and polar, at codon 269 of the CRX protein (p.Phe269Tyr). This variant is not present in population databases (gnomAD no frequency). This variant has not been reported in the literature in individuals affected with CRX-related conditions. ClinVar contains an entry for this variant (Variation ID: 1411397). Invitae Evidence Modeling of protein sequence and biophysical properties (such as structural, functional, and spatial information, amino acid conservation, physicochemical variation, residue mobility, and thermodynamic stability) indicates that this missense variant is not expected to disrupt CRX protein function with a negative predictive value of 95%. In summary, the available evidence is currently insufficient to determine the role of this variant in disease. Therefore, it has been classified as a Variant of Uncertain Significance.